The following is an entry in ClinVar:

NM_001267052.2(UNC45B):c.2189A>C (p.Asp730Ala)

Gene: UNC45B (unc-45 myosin chaperone B; plus strand). Cytogenetic location: 17q12.
Variant type: single nucleotide variant.
Coding change: c.2189A>C on transcript NM_001267052.2 (MANE Select); coding-DNA position 2189, A replaced by C.
Protein change: p.Asp730Ala; replaces aspartic acid 730 with alanine.
Molecular consequence: missense variant.
Genome position (GRCh38, 1-based): chr17:35,177,544, A>C. VCF-style: chr17-35177544-A-C. GRCh37 (hg19) VCF-style: chr17-33504563-A-C.
Other names: c.2189A>C, p.Asp730Ala (NM_001033576.2); c.1952A>C, p.Asp651Ala (NM_001308281.1); c.2195A>C, p.Asp732Ala (NM_173167.3); short protein forms D651A, D730A, D732A.
Identifiers: ClinVar variation 781277 (VCV000781277.14), dbSNP rs111405728, ClinGen allele CA8501434.

ClinVar aggregate classification (germline): Benign/Likely benign. Review status: criteria provided, multiple submitters, no conflicts (2 of 4 stars). 3 submissions from 3 submitters: Benign (1); Likely benign (2). Last evaluated 2026-01-15.

Allele frequency attached by ClinVar (database versions not stated): ExAC 0.00348; gnomAD 0.00470 and 0.00502; TOPMed 0.00584; 1000 Genomes Project 0.00639; ESP Exome Variant Server 0.00654; 1000 Genomes Project 30x 0.00656; gnomAD exomes 0.00129.
gnomAD v4.1: 1,419 of 1,567,176 alleles (0.091%); highest among the groups gnomAD compares: African/African-American, 1.6%; 10 homozygotes.

Submissions (3):

Labcorp Genetics (formerly Invitae), Labcorp
Classification: Benign. Last evaluated: 2026-01-15. Review status: criteria provided, single submitter. Criteria: Invitae Variant Classification Sherloc (09022015). Collection method: clinical testing. Allele origin: germline.

GeneDx
Classification: Likely benign. Last evaluated: 2024-04-15. Review status: criteria provided, single submitter. Criteria: GeneDx Variant Classification Process June 2021. Collection method: clinical testing. Allele origin: germline. Affected: yes.
Comment: See Variant Classification Assertion Criteria.

Breakthrough Genomics
Classification: Likely benign. Review status: criteria provided, single submitter. Criteria: ACMG Guidelines, 2015. Collection method: not provided. Allele origin: germline. Inheritance: Autosomal recessive inheritance. Affected: yes.